The following is an entry in ClinVar:

NM_024597.4(MAP7D3):c.2160G>A (p.Lys720=)

Gene: MAP7D3 (MAP7 domain containing 3; minus strand). Cytogenetic location: Xq26.3.
Variant type: single nucleotide variant.
Coding change: c.2160G>A on transcript NM_024597.4 (MANE Select); coding-DNA position 2160, G replaced by A.
Protein change: p.Lys720=; no amino-acid change (lysine 720 retained).
Molecular consequence: synonymous variant.
Genome position (GRCh38, 1-based): chrX:136,224,860, C>T on the plus strand (G>A on the coding strand, the complement: MAP7D3 is on the minus strand). VCF-style: chrX-136224860-C-T. GRCh37 (hg19) VCF-style: chrX-135307019-C-T.
Other names: c.2106G>A, p.Lys702= (NM_001173516.1); c.2055G>A, p.Lys685= (NM_001173517.2).
Identifiers: ClinVar variation 3050155 (VCV003050155.2), dbSNP rs199755641, ClinGen allele CA10525320.

ClinVar aggregate classification (germline): Likely benign (0 of 4 stars; one submission).

Conditions:
MAP7D3-related disorder. Also called: MAP7D3-related condition.

Allele frequency attached by ClinVar (database versions not stated): gnomAD exomes 0.00015; ExAC 0.00063; gnomAD 0.00119; 1000 Genomes Project 0.00159; 1000 Genomes Project 30x 0.00166; TOPMed 0.00179; ESP Exome Variant Server 0.00201.
gnomAD v4.1: 323 of 1,167,847 alleles (0.028%); highest among the groups gnomAD compares: African/African-American, 0.47%; no homozygotes.

Submission:

PreventionGenetics, part of Exact Sciences
Classification: Likely benign for MAP7D3-related condition. Last evaluated: 2019-07-12. Review status: no assertion criteria provided. Collection method: clinical testing. Allele origin: germline.
Comment: This variant is classified as likely benign based on ACMG/AMP sequence variant interpretation guidelines (Richards et al. 2015 PMID: 25741868, with internal and published modifications).